The following is an entry in ClinVar:

ClinVar aggregate classification (germline): Pathogenic (1 of 4 stars; one submission).

Submission:

Labcorp Genetics (formerly Invitae), Labcorp
Classification: Pathogenic. Last evaluated: 2021-07-20. Review status: criteria provided, single submitter. Criteria: Invitae Variant Classification Sherloc (09022015). Collection method: clinical testing. Allele origin: germline.
Comment: For these reasons, this variant has been classified as Pathogenic. This variant has not been reported in the literature in individuals affected with PCDH15-related conditions. This variant is a gross deletion of the genomic region encompassing exon(s) 9-28 of the PCDH15 gene. This deletion is out-of-frame, and is expected to create a premature translational stop signal and result in an absent or disrupted protein product. Loss-of-function variants in PCDH15 are known to be pathogenic (PMID: 11398101, 11487575, 14570705).

Literature cited by the submitters: PubMed 11398101; PubMed 11487575; PubMed 14570705.

NC_000010.10:g.(?_55616925)_(55996701_?)del

Gene: PCDH15 (protocadherin related 15; minus strand). Cytogenetic location: 10q21.1.
Variant type: Deletion.
Identifiers: ClinVar variation 1459429 (VCV001459429.4).